The following is an entry in ClinVar:

ClinVar aggregate classification (germline): Uncertain significance (1 of 4 stars; one submission).

gnomAD v4.1: 6 of 1,613,190 alleles (0.00037%); highest among the groups gnomAD compares: South Asian, 0.0011%; no homozygotes.

Submission:

Dasa
Classification: Uncertain significance. Last evaluated: 2025-07-03. Review status: criteria provided, single submitter. Criteria: DASA Assertion Criteria. Collection method: clinical testing. Allele origin: germline.
Comment: NM_001365925.2(NLGN1):c.1318G>A (p.Asp440Asn) is a missense variant that results in the substitution of aspartic acid with asparagine. This variant is rare in population databases. Computational prediction algorithms are consistent with a benign effect. The currently available literature and clinical evidence are not sufficient to establish a definitive association between this variant and the reported condition. Therefore, this variant is classified as a variant of uncertain significance.

NM_001365925.2(NLGN1):c.1318G>A (p.Asp440Asn)

Gene: NLGN1 (neuroligin 1; plus strand). Cytogenetic location: 3q26.31.
Variant type: single nucleotide variant.
Coding change: c.1318G>A on transcript NM_001365925.2 (MANE Select); coding-DNA position 1318, G replaced by A.
Protein change: p.Asp440Asn; replaces aspartic acid 440 with asparagine.
Molecular consequence: missense variant.
Genome position (GRCh38, 1-based): chr3:174,279,259, G>A. VCF-style: chr3-174279259-G-A. GRCh37 (hg19) VCF-style: chr3-173997049-G-A.
Other names: c.1318G>A, p.Asp440Asn (NM_001365923.2, NM_001365924.2, NM_001365926.2 and 2 more transcripts); c.1258G>A, p.Asp420Asn (NM_001365929.2, NM_001365930.2, NM_001365931.2 and 3 more transcripts); c.1231G>A, p.Asp411Asn (NM_001365934.2, NM_001365935.2, NM_001365936.2); short protein forms D411N, D420N, D440N.
Identifiers: ClinVar variation 4882184 (VCV004882184.2).